The following is an entry in ClinVar:

NM_004329.3(BMPR1A):c.1005T>G (p.Ala335=)

Gene: BMPR1A (bone morphogenetic protein receptor type 1A; plus strand). Cytogenetic location: 10q23.2.
Variant type: single nucleotide variant.
Coding change: c.1005T>G on transcript NM_004329.3 (MANE Select); coding-DNA position 1005, T replaced by G.
Protein change: p.Ala335=; no amino-acid change (alanine 335 retained).
Molecular consequence: synonymous variant. On other transcripts: non-coding transcript variant (3).
Genome position (GRCh38, 1-based): chr10:86,919,308, T>G. VCF-style: chr10-86919308-T-G. GRCh37 (hg19) VCF-style: chr10-88679065-T-G.
Other names: c.1080T>G, p.Ala360= (NM_001406559.1); c.1053T>G, p.Ala351= (NM_001406560.1); c.1005T>G, p.Ala335= (NM_001406561.1, NM_001406562.1, NM_001406563.1 and 19 more transcripts); c.921T>G, p.Ala307= (NM_001406586.1, NM_001406587.1, NM_001406588.1 and 2 more transcripts); c.663T>G, p.Ala221= (NM_001406589.1); c.999T>G, p.Ala333= (NM_001406583.1).
Identifiers: ClinVar variation 3378495 (VCV003378495.2).

ClinVar aggregate classification (germline): Benign/Likely benign. Review status: criteria provided, multiple submitters, no conflicts (2 of 4 stars). 2 submissions from 2 submitters: Benign (1); Likely benign (1). Last evaluated 2025-06-20.

Conditions:
Hereditary cancer-predisposing syndrome. Also called: Hereditary Cancer Syndrome; Tumor predisposition; Hereditary neoplastic syndrome; Neoplastic Syndromes, Hereditary. Identifiers: Orphanet 140162, MedGen C0027672, MeSH D009386, MONDO:0015356.
Juvenile polyposis syndrome (JPS). Identifiers: Orphanet 2929, MedGen C0345893, MONDO:0017380, OMIM 174900.

Submissions (2):

Ambry Genetics
Classification: Likely benign for Hereditary cancer-predisposing syndrome. Last evaluated: 2025-06-20. Review status: criteria provided, single submitter. Criteria: Ambry Variant Classification Scheme 2023. Collection method: clinical testing. Allele origin: germline.

Myriad Genetics, Inc.
Classification: Benign for Juvenile polyposis syndrome. Last evaluated: 2024-08-06. Review status: criteria provided, single submitter. Criteria: Myriad Autosomal Dominant, Autosomal Recessive and X-Linked Classification Criteria (2023). Collection method: clinical testing. Allele origin: unknown.
Comment: This variant is considered benign. This variant is a silent/synonymous amino acid change and it is not expected to impact splicing.